The following is an entry in ClinVar:

NM_018979.4(WNK1):c.3585T>A (p.Asp1195Glu)

Gene: WNK1 (WNK lysine deficient protein kinase 1; plus strand). Cytogenetic location: 12p13.33.
Variant type: single nucleotide variant.
Coding change: c.3585T>A on transcript NM_018979.4 (MANE Select); coding-DNA position 3585, T replaced by A.
Protein change: p.Asp1195Glu; replaces aspartic acid 1195 with glutamic acid.
Molecular consequence: missense variant.
Genome position (GRCh38, 1-based): chr12:883,490, T>A. VCF-style: chr12-883490-T-A. GRCh37 (hg19) VCF-style: chr12-992656-T-A.
Other names: c.4365T>A, p.Asp1455Glu (NM_001184985.2); c.2844T>A, p.Asp948Glu (NM_014823.3); c.4341T>A, p.Asp1447Glu (NM_213655.5); short protein forms D1447E, D1455E, D1195E, D948E.
Identifiers: ClinVar variation 659024 (VCV000659024.8), dbSNP rs1592165028, ClinGen allele CA383329171.

ClinVar aggregate classification (germline): Uncertain significance (1 of 4 stars; one submission).

Conditions:
Pseudohypoaldosteronism type 2C (PHA2C). Also called: Pseudohypoaldosteronism Type IIC. Identifiers: Orphanet 757, Orphanet 88940, MedGen C1840391, MONDO:0013778, OMIM 614492.
Neuropathy, hereditary sensory and autonomic, type 2A (HSAN2A). Also called: ACROOSTEOLYSIS, GIACCAI TYPE; ACROOSTEOLYSIS, NEUROGENIC; HSAN IIA; WNK1-Related HSAN2 (HSAN2A); MORVAN DISEASE; NEUROPATHY, CONGENITAL SENSORY. Identifiers: Orphanet 970, MedGen C2752089, MONDO:0024309, OMIM 201300.

Submission:

Labcorp Genetics (formerly Invitae), Labcorp
Classification: Uncertain significance for Neuropathy, hereditary sensory and autonomic, type 2A; Pseudohypoaldosteronism type 2C. Last evaluated: 2020-01-27. Review status: criteria provided, single submitter. Criteria: Invitae Variant Classification Sherloc (09022015). Collection method: clinical testing. Allele origin: germline.
Comment: This sequence change replaces aspartic acid with glutamic acid at codon 1195 of the WNK1 protein (p.Asp1195Glu). The aspartic acid residue is highly conserved and there is a small physicochemical difference between aspartic acid and glutamic acid. This variant is not present in population databases (ExAC no frequency). This variant has not been reported in the literature in individuals with WNK1-related disease. Algorithms developed to predict the effect of missense changes on protein structure and function (SIFT, PolyPhen-2, Align-GVGD) all suggest that this variant is likely to be disruptive, but these predictions have not been confirmed by published functional studies and their clinical significance is uncertain. In summary, the available evidence is currently insufficient to determine the role of this variant in disease. Therefore, it has been classified as a Variant of Uncertain Significance.